The following is an entry in ClinVar:

NM_020975.6(RET):c.2679C>T (p.Phe893=)

Gene: RET (ret proto-oncogene; plus strand). Cytogenetic location: 10q11.21.
Variant type: single nucleotide variant.
Coding change: c.2679C>T on transcript NM_020975.6 (MANE Select); coding-DNA position 2679, C replaced by T.
Protein change: p.Phe893=; no amino-acid change (phenylalanine 893 retained).
Molecular consequence: synonymous variant.
Genome position (GRCh38, 1-based): chr10:43,120,152, C>T. VCF-style: chr10-43120152-C-T. GRCh37 (hg19) VCF-style: chr10-43615600-C-T.
Other names: c.2679C>T, p.Phe893= (NM_000323.2, NM_001406743.1, NM_001406744.1 and 4 more transcripts); c.1917C>T, p.Phe639= (NM_001355216.2); c.2550C>T, p.Phe850= (NM_001406761.1, NM_001406762.1, NM_001406764.1); c.2544C>T, p.Phe848= (NM_001406763.1, NM_001406765.1); c.2391C>T, p.Phe797= (NM_001406766.1, NM_001406767.1, NM_001406770.1); c.2415C>T, p.Phe805= (NM_001406768.1); c.2283C>T, p.Phe761= (NM_001406769.1, NM_001406772.1); c.2241C>T, p.Phe747= (NM_001406771.1, NM_001406773.1); and 10 more.
Identifiers: ClinVar variation 477352 (VCV000477352.44), dbSNP rs768188546, ClinGen allele CA040386.

ClinVar aggregate classification (germline): Benign/Likely benign. Review status: criteria provided, multiple submitters, no conflicts (2 of 4 stars). 8 submissions from 8 submitters: Benign (1); Likely benign (7). Last evaluated 2025-12-19.

Conditions:
Hereditary cancer-predisposing syndrome. Also called: Hereditary Cancer Syndrome; Hereditary neoplastic syndrome; Tumor predisposition; Neoplastic Syndromes, Hereditary. Identifiers: Orphanet 140162, MedGen C0027672, MeSH D009386, MONDO:0015356.
Familial medullary thyroid carcinoma (MTC). Also called: Familial Medullary Thyroid Carcinoma (FMTC); Thyroid cancer, familial medullary; MTC, familial. Identifiers: Orphanet 653, Orphanet 99361, MedGen C1833921, MONDO:0007958, OMIM 155240.
Pheochromocytoma. Also called: MAX-Related Hereditary Paraganglioma-Pheochromocytoma Syndrome. Identifiers: Orphanet 29072, MedGen C0031511, MONDO:0008233, OMIM 171300, HP:0002666.
Multiple endocrine neoplasia type 2A. Also called: Multiple Endocrine Neoplasia Type 2A (MEN2A); MULTIPLE ENDOCRINE NEOPLASIA, TYPE IIA; PTC SYNDROME; SIPPLE SYNDROME; MEN 2A; MEN-2A syndrome. Identifiers: Orphanet 247698, Orphanet 653, MedGen C0025268, MeSH D018813, MONDO:0008234, OMIM 171400.
Hirschsprung disease, susceptibility to, 1 (HSCR1). Also called: RET-Related Hirschsprung Disease. Identifiers: Orphanet 388, MedGen C3888239, MONDO:0007723, OMIM 142623.
Multiple endocrine neoplasia type 2B. Also called: WAGENMANN-FROBOESE SYNDROME; MULTIPLE ENDOCRINE NEOPLASIA, TYPE III; MUCOSAL NEUROMA SYNDROME; Multiple Endocrine Neoplasia Type 2B (MEN2B); Multiple endocrine neoplasia, type 3; MULTIPLE ENDOCRINE NEOPLASIA, TYPE IIB. Identifiers: Orphanet 247709, Orphanet 653, MedGen C0025269, MeSH D018814, MONDO:0008082, OMIM 162300.
Multiple endocrine neoplasia, type 2 (MEN2). Identifiers: Orphanet 653, MedGen C4048306, MONDO:0019003. Disease mechanism: gain of function.

Allele frequency attached by ClinVar (database versions not stated): gnomAD 0.00001; TOPMed 0.00001; gnomAD exomes 0.00009 and 0.00002; ExAC 0.00002.
gnomAD v4.1: 125 of 1,613,682 alleles (0.0077%); highest among the groups gnomAD compares: Non-Finnish European, 0.01%; no homozygotes.

Submissions (8):

Labcorp Genetics (formerly Invitae), Labcorp
Classification: Likely benign for Multiple endocrine neoplasia, type 2. Last evaluated: 2025-12-19. Review status: criteria provided, single submitter. Criteria: Invitae Variant Classification Sherloc (09022015). Collection method: clinical testing. Allele origin: germline.

ARUP Laboratories, Molecular Genetics and Genomics, ARUP Laboratories
Classification: Likely benign. Last evaluated: 2025-05-22. Review status: criteria provided, single submitter. Criteria: ARUP Molecular Germline Variant Investigation Process 2024. Collection method: clinical testing. Allele origin: germline.

Myriad Genetics, Inc.
Classification: Benign for Multiple endocrine neoplasia type 2A. Last evaluated: 2025-02-27. Review status: criteria provided, single submitter. Criteria: Myriad Autosomal Dominant, Autosomal Recessive and X-Linked Classification Criteria (2023). Collection method: clinical testing. Allele origin: unknown.
Comment: This variant is considered benign. This variant is a silent/synonymous amino acid change and it is not expected to impact splicing.

Blueprint Genetics
Classification: Likely benign. Last evaluated: 2023-12-05. Review status: criteria provided, single submitter. Criteria: ACMG Guidelines, 2015. Collection method: clinical testing. Allele origin: germline.

CeGaT Center for Human Genetics Tuebingen
Classification: Likely benign. Last evaluated: 2022-10-01. Review status: criteria provided, single submitter. Criteria: CeGaT Center For Human Genetics Tuebingen Variant Classification Criteria Version 2. Collection method: clinical testing. Allele origin: germline. Affected: yes. Observed: 1 variant allele.
Comment: RET: BP4, BP7

Color Diagnostics, LLC DBA Color Health
Classification: Likely benign for Multiple endocrine neoplasia, type 2. Last evaluated: 2022-09-29. Review status: criteria provided, single submitter. Criteria: ACMG Guidelines, 2015. Collection method: clinical testing. Allele origin: germline.

Fulgent Genetics
Classification: Likely benign for Hirschsprung disease, susceptibility to, 1; Familial medullary thyroid carcinoma; Multiple endocrine neoplasia type 2B; Pheochromocytoma; Multiple endocrine neoplasia type 2A. Last evaluated: 2021-10-14. Review status: criteria provided, single submitter. Criteria: ACMG Guidelines, 2015. Collection method: clinical testing. Allele origin: unknown.

Ambry Genetics
Classification: Likely benign for Hereditary cancer-predisposing syndrome. Last evaluated: 2016-09-13. Review status: criteria provided, single submitter. Criteria: Ambry Variant Classification Scheme 2023. Collection method: clinical testing. Allele origin: germline.